The following is an entry in ClinVar:

NM_130837.3(OPA1):c.1545_1547del (p.Arg516del)

Gene: OPA1 (OPA1 mitochondrial dynamin like GTPase; plus strand). Cytogenetic location: 3q29.
Variant type: Deletion.
Coding change: c.1545_1547del on transcript NM_130837.3 (MANE Select); coding-DNA positions 1545 to 1547, 3 bases deleted (GAG; older notation c.1545_1547delGAG).
Protein change: p.Arg516del; deletes arginine 516.
Molecular consequence: inframe deletion.
Genome position (GRCh38, 1-based): chr3:193,644,042-193,644,044, GAG deleted; deleting any 3 consecutive bases within chr3:193,644,040-193,644,044 gives the same sequence; the c. name uses the placement nearest the transcript's 3' end. VCF-style (leftmost placement, unchanged base first): chr3-193644039-AAGG-A. GRCh37 (hg19) VCF-style: chr3-193361828-AAGG-A.
Other names: c.1011_1013del, p.Arg338del (NM_001354663.2); c.1008_1010del, p.Arg337del (NM_001354664.2); c.1380_1382del, p.Arg461del (NM_015560.3); c.1272_1274del, p.Arg425del (NM_130831.3); c.1326_1328del, p.Arg443del (NM_130832.3); c.1383_1385del, p.Arg462del (NM_130833.3); c.1434_1436del, p.Arg479del (NM_130834.3); c.1437_1439del, p.Arg480del (NM_130835.3); and 1 more; short protein forms R461del, R516del, R425del, R462del, R479del, R480del, R498del, R337del.
Identifiers: ClinVar variation 498129 (VCV000498129.10), dbSNP rs1199056091, ClinGen allele CA658796409.

ClinVar aggregate classification (germline): Uncertain significance. Review status: criteria provided, multiple submitters, no conflicts (2 of 4 stars). 2 submissions from 2 submitters: Uncertain significance (2). Last evaluated 2025-05-14.

Submissions (2):

Labcorp Genetics (formerly Invitae), Labcorp
Classification: Uncertain significance. Last evaluated: 2025-05-14. Review status: criteria provided, single submitter. Criteria: Invitae Variant Classification Sherloc (09022015). Collection method: clinical testing. Allele origin: germline.
Comment: This variant, c.1380_1382del, results in the deletion of 1 amino acid(s) of the OPA1 protein (p.Arg461del), but otherwise preserves the integrity of the reading frame. This variant is not present in population databases (gnomAD no frequency). This variant has not been reported in the literature in individuals affected with OPA1-related conditions. ClinVar contains an entry for this variant (Variation ID: 498129). Experimental studies and prediction algorithms are not available or were not evaluated, and the functional significance of this variant is currently unknown. In summary, the available evidence is currently insufficient to determine the role of this variant in disease. Therefore, it has been classified as a Variant of Uncertain Significance.

Eurofins Ntd Llc (ga)
Classification: Uncertain significance. Last evaluated: 2016-10-28. Review status: criteria provided, single submitter. Criteria: EGL Classification Definitions 2015. Collection method: clinical testing. Allele origin: germline. Observed: 1 variant allele, 1 heterozygote.